The following is an entry in ClinVar:

ClinVar aggregate classification (germline): Pathogenic (1 of 4 stars; one submission).

Conditions:
Dilated cardiomyopathy 1II (CMD1II). Identifiers: Orphanet 154, MedGen C3554649, MONDO:0014073, OMIM 615184.

gnomAD v4.1: 1 of 1,610,920 alleles (0.000062%); highest among the groups gnomAD compares: Non-Finnish European, 0.000085%; no homozygotes.

Submission:

Labcorp Genetics (formerly Invitae), Labcorp
Classification: Pathogenic for Dilated cardiomyopathy 1II. Last evaluated: 2022-05-05. Review status: criteria provided, single submitter. Criteria: Invitae Variant Classification Sherloc (09022015). Collection method: clinical testing. Allele origin: germline.
Comment: For these reasons, this variant has been classified as Pathogenic. ClinVar contains an entry for this variant (Variation ID: 1322163). This premature translational stop signal has been observed in individual(s) with hypertrophic cardiomyopathy (PMID: 23197161). This variant is not present in population databases (gnomAD no frequency). This sequence change creates a premature translational stop signal (p.Gln26*) in the CRYAB gene. It is expected to result in an absent or disrupted protein product. Loss-of-function variants in CRYAB are known to be pathogenic (PMID: 21337604).

Literature cited by the submitters: PubMed 23197161; PubMed 21337604.

NM_001289808.2(CRYAB):c.76C>T (p.Gln26Ter)

Gene: CRYAB (crystallin alpha B; minus strand). Cytogenetic location: 11q23.1.
Variant type: single nucleotide variant.
Coding change: c.76C>T on transcript NM_001289808.2 (MANE Select); coding-DNA position 76, C replaced by T.
Protein change: p.Gln26Ter; replaces glutamine 26 with a stop codon.
Molecular consequence: nonsense.
Genome position (GRCh38, 1-based): chr11:111,911,649, G>A on the plus strand (C>T on the coding strand, the complement: CRYAB is on the minus strand). VCF-style: chr11-111911649-G-A. GRCh37 (hg19) VCF-style: chr11-111782373-G-A.
Other names: c.76C>T, p.Gln26Ter (NM_001289807.1, NM_001368245.1, NM_001885.3); short protein forms Q26*.
Identifiers: ClinVar variation 1322163 (VCV001322163.6), dbSNP rs1965461881, ClinGen allele CA382600789.